The following is an entry in ClinVar:

ClinVar aggregate classification (germline): Uncertain significance. Review status: criteria provided, multiple submitters, no conflicts (2 of 4 stars). 2 submissions from 2 submitters: Uncertain significance (2). Last evaluated 2023-09-08.

Conditions:
Familial sleep-related hypermotor epilepsy. Also called: Autosomal Dominant Sleep-Related Hypermotor (Hyperkinetic) Epilepsy. Identifiers: Orphanet 98784, MedGen C3696898, MONDO:0000030.

Allele frequency attached by ClinVar (database versions not stated): TOPMed below 0.00001; gnomAD 0.00001.

Submissions (2):

Labcorp Genetics (formerly Invitae), Labcorp
Classification: Uncertain significance. Last evaluated: 2023-09-08. Review status: criteria provided, single submitter. Criteria: Invitae Variant Classification Sherloc (09022015). Collection method: clinical testing. Allele origin: germline.
Comment: In summary, the available evidence is currently insufficient to determine the role of this variant in disease. Therefore, it has been classified as a Variant of Uncertain Significance. Advanced modeling of protein sequence and biophysical properties (such as structural, functional, and spatial information, amino acid conservation, physicochemical variation, residue mobility, and thermodynamic stability) performed at Invitae indicates that this missense variant is not expected to disrupt CHRNB2 protein function. ClinVar contains an entry for this variant (Variation ID: 1013767). This variant has not been reported in the literature in individuals affected with CHRNB2-related conditions. This variant is not present in population databases (gnomAD no frequency). This sequence change replaces arginine, which is basic and polar, with proline, which is neutral and non-polar, at codon 432 of the CHRNB2 protein (p.Arg432Pro).

Blueprint Genetics
Classification: Uncertain significance. Last evaluated: 2022-08-30. Review status: criteria provided, single submitter. Criteria: ACMG Guidelines, 2015. Collection method: clinical testing. Allele origin: germline.

NM_000748.3(CHRNB2):c.1295G>C (p.Arg432Pro)

Gene: CHRNB2 (cholinergic receptor nicotinic beta 2 subunit; plus strand). Cytogenetic location: 1q21.3.
Variant type: single nucleotide variant.
Coding change: c.1295G>C on transcript NM_000748.3 (MANE Select); coding-DNA position 1295, G replaced by C.
Protein change: p.Arg432Pro; replaces arginine 432 with proline.
Molecular consequence: missense variant.
Genome position (GRCh38, 1-based): chr1:154,572,118, G>C. VCF-style: chr1-154572118-G-C. GRCh37 (hg19) VCF-style: chr1-154544594-G-C.
Other names: short protein forms R432P.
Identifiers: ClinVar variation 1013767 (VCV001013767.9), dbSNP rs747248135, ClinGen allele CA342631874.